The following is an entry in ClinVar:

NM_000286.3(PEX12):c.684_687del (p.Ser229fs)

Gene: PEX12 (peroxisomal biogenesis factor 12; minus strand). Cytogenetic location: 17q12.
Variant type: Deletion.
Coding change: c.684_687del on transcript NM_000286.3 (MANE Select); coding-DNA positions 684 to 687, 4 bases deleted (TAGT; older notation c.684_687delTAGT).
Protein change: p.Ser229fs; shifts the reading frame from serine 229.
Molecular consequence: frameshift variant.
Genome position (GRCh38, 1-based): chr17:35,576,175-35,576,178, ACTA deleted on the plus strand (TAGT on the coding strand, the reverse complement: PEX12 is on the minus strand); deleting any 4 consecutive bases within chr17:35,576,175-35,576,180 gives the same sequence; the c. name uses the placement nearest the transcript's 3' end. VCF-style (leftmost placement, unchanged base first): chr17-35576174-CACTA-C. GRCh37 (hg19) VCF-style: chr17-33903193-CACTA-C.
Other names: short protein forms S229fs.
Identifiers: ClinVar variation 371738 (VCV000371738.8), dbSNP rs62642859, ClinGen allele CA8504856.

ClinVar aggregate classification (germline): Pathogenic/Likely pathogenic. Review status: criteria provided, multiple submitters, no conflicts (2 of 4 stars). 5 submissions from 4 submitters: Pathogenic (1); Likely pathogenic (1). 3 of the submissions do not count toward it. Last evaluated 2024-01-24.

Conditions:
PEX12-related disorder. Also called: PEX12-related disorders; PEX12-related condition.
Peroxisome biogenesis disorder type 3B. Identifiers: Orphanet 44, Orphanet 772, MedGen C3550693, MONDO:0009959, OMIM 266510.
Peroxisome biogenesis disorder 3A (Zellweger). Also called: PEROXISOMAL BIOGENESIS DISORDER 3A (ZELLWEGER); Peroxisome biogenesis disorder 3A. Identifiers: Orphanet 912, MedGen C3553929, MONDO:0013927, OMIM 614859.

Submissions (5):

Labcorp Genetics (formerly Invitae), Labcorp
Classification: Pathogenic for Peroxisome biogenesis disorder 3A (Zellweger). Last evaluated: 2024-01-24. Review status: criteria provided, single submitter. Criteria: Invitae Variant Classification Sherloc (09022015). Collection method: clinical testing. Allele origin: germline.
Comment: This sequence change creates a premature translational stop signal (p.Ser229Argfs*3) in the PEX12 gene. While this is not anticipated to result in nonsense mediated decay, it is expected to disrupt the last 131 amino acid(s) of the PEX12 protein. This variant is present in population databases (rs62642859, gnomAD 0.0009%). This premature translational stop signal has been observed in individual(s) with clinical features of peroxisomal biogenesis disorders (PMID: 9090384). ClinVar contains an entry for this variant (Variation ID: 371738). This variant disrupts a region of the PEX12 protein in which other variant(s) (p.Gln349del) have been determined to be pathogenic (PMID: 15542397, 21031596, 33123925). This suggests that this is a clinically significant region of the protein, and that variants that disrupt it are likely to be disease-causing. For these reasons, this variant has been classified as Pathogenic.

Blueprint Genetics
Classification: Likely pathogenic for PEX12-related disorders. Last evaluated: 2021-11-04. Review status: criteria provided, single submitter. Criteria: ACMG Guidelines, 2015. Collection method: clinical testing. Allele origin: germline. Affected: yes. Observed: 1 variant allele.

Counsyl
Classification: Likely pathogenic for Peroxisome biogenesis disorder type 3B. Last evaluated: 2016-08-16. Review status: no assertion criteria provided. Collection method: clinical testing. Allele origin: unknown. Not counted in ClinVar's aggregate classification.

Counsyl
Classification: Likely pathogenic for Peroxisome biogenesis disorder 3A (Zellweger). Last evaluated: 2016-08-16. Review status: no assertion criteria provided. Collection method: clinical testing. Allele origin: unknown. Not counted in ClinVar's aggregate classification.

OMIM
Classification: Pathogenic for PEROXISOMAL BIOGENESIS DISORDER 3A (ZELLWEGER). Last evaluated: 1997-04-01. Review status: no assertion criteria provided. Collection method: literature only. Allele origin: germline. Not counted in ClinVar's aggregate classification.

Literature cited by the submitters: PubMed 9090384 (cited by 3 submitters); PubMed 15542397 (cited by Labcorp Genetics (formerly Invitae), Labcorp); PubMed 21031596 (cited by Labcorp Genetics (formerly Invitae), Labcorp); PubMed 33123925 (cited by Labcorp Genetics (formerly Invitae), Labcorp).